The following is an entry in ClinVar:

ClinVar aggregate classification (germline): Uncertain significance. Review status: criteria provided, multiple submitters, no conflicts (2 of 4 stars). 3 submissions from 3 submitters: Uncertain significance (3). Last evaluated 2025-12-10.

Conditions:
Parathyroid carcinoma (PRTC). Also called: Parathyroid gland carcinoma; CDC73-Related Parathyroid Carcinoma. Identifiers: Orphanet 143, MedGen C0687150, MONDO:0012004, OMIM 608266, HP:0006780.
Hereditary cancer-predisposing syndrome. Also called: Tumor predisposition; Hereditary neoplastic syndrome; Neoplastic Syndromes, Hereditary; Hereditary Cancer Syndrome. Identifiers: Orphanet 140162, MedGen C0027672, MeSH D009386, MONDO:0015356.
Hyperparathyroidism 1 (HRPT1). Also called: HYPERPARATHYROIDISM, FAMILIAL ISOLATED PRIMARY. Identifiers: Orphanet 99879, MedGen C1840402, MONDO:0007767, OMIM 145000.
Hyperparathyroidism 2 with jaw tumors. Also called: Hyperparathyroidism 2; Hyperparathyroidism-Jaw Tumor Syndrome; HYPERPARATHYROIDISM, FAMILIAL PRIMARY, WITH MULTIPLE OSSIFYING JAW FIBROMAS; HYPERPARATHYROIDISM-JAW TUMOR SYNDROME, HEREDITARY. Identifiers: Orphanet 99880, MedGen C1704981, MONDO:0007768, OMIM 145001.

Submissions (3):

Ambry Genetics
Classification: Uncertain significance for Hereditary cancer-predisposing syndrome. Last evaluated: 2025-12-10. Review status: criteria provided, single submitter. Criteria: Ambry Variant Classification Scheme 2023. Collection method: clinical testing. Allele origin: germline.
Comment: The p.R504C variant (also known as c.1510C>T), located in coding exon 16 of the CDC73 gene, results from a C to T substitution at nucleotide position 1510. The arginine at codon 504 is replaced by cysteine, an amino acid with highly dissimilar properties. This amino acid position is conserved. In addition, this alteration is predicted to be deleterious by in silico analysis. Since supporting evidence is limited at this time, the clinical significance of this alteration remains unclear.

Labcorp Genetics (formerly Invitae), Labcorp
Classification: Uncertain significance for Parathyroid carcinoma. Last evaluated: 2024-12-10. Review status: criteria provided, single submitter. Criteria: Invitae Variant Classification Sherloc (09022015). Collection method: clinical testing. Allele origin: germline.
Comment: This sequence change replaces arginine, which is basic and polar, with cysteine, which is neutral and slightly polar, at codon 504 of the CDC73 protein (p.Arg504Cys). This variant is not present in population databases (gnomAD no frequency). This variant has not been reported in the literature in individuals affected with CDC73-related conditions. ClinVar contains an entry for this variant (Variation ID: 1524521). Invitae Evidence Modeling of protein sequence and biophysical properties (such as structural, functional, and spatial information, amino acid conservation, physicochemical variation, residue mobility, and thermodynamic stability) indicates that this missense variant is expected to disrupt CDC73 protein function with a positive predictive value of 80%. In summary, the available evidence is currently insufficient to determine the role of this variant in disease. Therefore, it has been classified as a Variant of Uncertain Significance.

Fulgent Genetics
Classification: Uncertain significance for Hyperparathyroidism 1; Hyperparathyroidism 2 with jaw tumors; Parathyroid carcinoma. Last evaluated: 2024-03-26. Review status: criteria provided, single submitter. Criteria: ACMG Guidelines, 2015. Collection method: clinical testing. Allele origin: germline.

NM_024529.5(CDC73):c.1510C>T (p.Arg504Cys)

Gene: CDC73 (cell division cycle 73; plus strand). Cytogenetic location: 1q31.2.
Variant type: single nucleotide variant.
Coding change: c.1510C>T on transcript NM_024529.5 (MANE Select); coding-DNA position 1510, C replaced by T.
Protein change: p.Arg504Cys; replaces arginine 504 with cysteine.
Molecular consequence: missense variant.
Genome position (GRCh38, 1-based): chr1:193,249,822, C>T. VCF-style: chr1-193249822-C-T. GRCh37 (hg19) VCF-style: chr1-193218952-C-T.
Other names: c.1510C>T (NM_024529.4); short protein forms R504C.
Identifiers: ClinVar variation 1524521 (VCV001524521.11), dbSNP rs1292596060, ClinGen allele CA344078548.